The following is an entry in ClinVar:

NM_017849.4(TMEM127):c.413T>G (p.Leu138Arg)

Gene: TMEM127 (transmembrane protein 127; minus strand). Cytogenetic location: 2q11.2.
Variant type: single nucleotide variant.
Coding change: c.413T>G on transcript NM_017849.4 (MANE Select); coding-DNA position 413, T replaced by G.
Protein change: p.Leu138Arg; replaces leucine 138 with arginine.
Molecular consequence: missense variant.
Genome position (GRCh38, 1-based): chr2:96,254,112, A>C on the plus strand (T>G on the coding strand, the complement: TMEM127 is on the minus strand). VCF-style: chr2-96254112-A-C. GRCh37 (hg19) VCF-style: chr2-96919850-A-C.
Other names: c.413T>G, p.Leu138Arg (NM_001193304.3); c.161T>G, p.Leu54Arg (NM_001407282.1, NM_001407283.1); short protein forms L138R, L54R.
Identifiers: ClinVar variation 4710137 (VCV004710137.1).

ClinVar aggregate classification (germline): Uncertain significance (1 of 4 stars; one submission).

Conditions:
Hereditary pheochromocytoma and paraganglioma. Also called: Hereditary pheochromocytoma-paraganglioma; Hereditary Paraganglioma-Pheochromocytoma Syndromes; Hereditary paragangliomas and pheochromocytomas. Identifiers: Orphanet 29072, MedGen C4274332, MONDO:0017366.

gnomAD v4.1: 1 of 1,613,876 alleles (0.000062%); highest among the groups gnomAD compares: Admixed American, 0.0017%; no homozygotes.

Submission:

Labcorp Genetics (formerly Invitae), Labcorp
Classification: Uncertain significance for Hereditary pheochromocytoma and paraganglioma. Last evaluated: 2026-01-11. Review status: criteria provided, single submitter. Criteria: Invitae Variant Classification Sherloc (09022015). Collection method: clinical testing. Allele origin: germline.
Comment: This sequence change replaces leucine, which is neutral and non-polar, with arginine, which is basic and polar, at codon 138 of the TMEM127 protein (p.Leu138Arg). This variant is present in population databases (rs772714957, gnomAD 0.003%). This missense change has been observed in individual(s) with paraganglioma (PMID: 28384794). An algorithm developed to predict the effect of missense changes on protein structure and function (PolyPhen-2) suggests that this variant is likely to be disruptive. In summary, the available evidence is currently insufficient to determine the role of this variant in disease. Therefore, it has been classified as a Variant of Uncertain Significance.

Literature cited by the submitters: PubMed 28384794.